The following is an entry in ClinVar:

NM_004369.4(COL6A3):c.8267A>C (p.Gln2756Pro)

Gene: COL6A3 (collagen type VI alpha 3 chain; minus strand). Cytogenetic location: 2q37.3.
Variant type: single nucleotide variant.
Coding change: c.8267A>C on transcript NM_004369.4 (MANE Select); coding-DNA position 8267, A replaced by C.
Protein change: p.Gln2756Pro; replaces glutamine 2756 with proline.
Molecular consequence: missense variant.
Genome position (GRCh38, 1-based): chr2:237,340,649, T>G on the plus strand (A>C on the coding strand, the complement: COL6A3 is on the minus strand). VCF-style: chr2-237340649-T-G. GRCh37 (hg19) VCF-style: chr2-238249292-T-G.
Other names: c.6446A>C, p.Gln2149Pro (NM_057166.5); c.7649A>C, p.Gln2550Pro (NM_057167.4); short protein forms Q2550P, Q2149P, Q2756P.
Identifiers: ClinVar variation 950388 (VCV000950388.10), dbSNP rs2076967534, ClinGen allele CA351195696.

ClinVar aggregate classification (germline): Uncertain significance (1 of 4 stars; one submission).

Conditions:
Bethlem myopathy 1A. Also called: Bethlem Muscular Dystrophy; Bethlem myopathy 1; MYOPATHY, BENIGN CONGENITAL, WITH CONTRACTURES. Identifiers: Orphanet 610, MedGen CN029274, MONDO:0024530, OMIM 158810.

Submission:

Labcorp Genetics (formerly Invitae), Labcorp
Classification: Uncertain significance for Bethlem myopathy 1A. Last evaluated: 2019-06-24. Review status: criteria provided, single submitter. Criteria: Invitae Variant Classification Sherloc (09022015). Collection method: clinical testing. Allele origin: germline.
Comment: Algorithms developed to predict the effect of missense changes on protein structure and function are either unavailable or do not agree on the potential impact of this missense change (SIFT: "Deleterious"; PolyPhen-2: "Not Available"; Align-GVGD: "Class C15"). This variant has not been reported in the literature in individuals with COL6A3-related conditions. This variant is not present in population databases (ExAC no frequency). This sequence change replaces glutamine with proline at codon 2756 of the COL6A3 protein (p.Gln2756Pro). The glutamine residue is weakly conserved and there is a moderate physicochemical difference between glutamine and proline. In summary, the available evidence is currently insufficient to determine the role of this variant in disease. Therefore, it has been classified as a Variant of Uncertain Significance.